The following is an entry in ClinVar:

ClinVar aggregate classification (germline): Uncertain significance (1 of 4 stars; one submission).

Submission:

Greenwood Genetic Center Diagnostic Laboratories, Greenwood Genetic Center
Classification: Uncertain significance. Last evaluated: 2021-11-17. Review status: criteria provided, single submitter. Criteria: ACMG Guidelines, 2015. Collection method: clinical testing. Allele origin: germline. Affected: yes.
Comment: BP4, PM2

NM_001374828.1(ARID1B):c.6901A>G (p.Asn2301Asp)

Gene: ARID1B (AT-rich interaction domain 1B; plus strand). Cytogenetic location: 6q25.3.
Variant type: single nucleotide variant.
Coding change: c.6901A>G on transcript NM_001374828.1 (MANE Select); coding-DNA position 6901, A replaced by G.
Protein change: p.Asn2301Asp; replaces asparagine 2301 with aspartic acid.
Molecular consequence: missense variant.
Genome position (GRCh38, 1-based): chr6:157,207,673, A>G. VCF-style: chr6-157207673-A-G. GRCh37 (hg19) VCF-style: chr6-157528807-A-G.
Other names: c.4402A>G, p.Asn1468Asp (NM_001363725.2); c.6781A>G, p.Asn2261Asp (NM_001371656.1, NM_001374820.1); c.6742A>G, p.Asn2248Asp (NM_017519.3); short protein forms N1468D, N2248D, N2261D, N2301D.
Identifiers: ClinVar variation 1334668 (VCV001334668.4), dbSNP rs2128398976, ClinGen allele CA366249315.
Genomic context (GRCh38, chr6:157,207,673, plus strand): 5'-AACTTGATAAGCTTCCTAGAGGATGGGGTCACGATGGCCCAGTACCAGCAGAGCCAGCAC[A>G]ACCTCATGCACATGCAGCCCCCGCCCCTGGAACCACCTAGCGTAGACATGATGTGCAGGG-3'
Protein context (NP_001361757.1, residues 2291-2311): TMAQYQQSQH[Asn2301Asp]LMHMQPPPLE